The following is an entry in ClinVar:

NM_014679.5(CEP57):c.900C>G (p.Ser300Arg)

Gene: CEP57 (centrosomal protein 57; plus strand). Cytogenetic location: 11q21.
Variant type: single nucleotide variant.
Coding change: c.900C>G on transcript NM_014679.5 (MANE Select); coding-DNA position 900, C replaced by G.
Protein change: p.Ser300Arg; replaces serine 300 with arginine.
Molecular consequence: missense variant.
Genome position (GRCh38, 1-based): chr11:95,827,800, C>G. VCF-style: chr11-95827800-C-G. GRCh37 (hg19) VCF-style: chr11-95560964-C-G.
Other names: c.873C>G, p.Ser291Arg (NM_001243776.2); c.822C>G, p.Ser274Arg (NM_001243777.2); c.819C>G, p.Ser273Arg (NM_001363604.2, NM_001440869.1, NM_001440870.1); c.792C>G, p.Ser264Arg (NM_001440871.1); c.783C>G, p.Ser261Arg (NM_001440872.1); c.720C>G, p.Ser240Arg (NM_001440873.1); c.714C>G, p.Ser238Arg (NM_001440874.1); c.711C>G, p.Ser237Arg (NM_001440875.1); and 6 more; short protein forms S264R, S274R, S201R, S213R, S234R, S240R, S261R, S273R.
Identifiers: ClinVar variation 5034392 (VCV005034392.1).
Genomic context (GRCh38, chr11:95,827,800, plus strand): 5'-GAGAATATAACTTCAATTACTTCTTTCATCATTTTTCTTCCTTTAGTCCACAAGCCCTAG[C>G]CATGCCGTGGTAGCCAATGTTCAGCTTGTCTTGCATCTAATGAAGCAACACAGTAAAGCT-3'
Protein context (NP_055494.2, residues 290-310): PFVAGKSTSP[Ser300Arg]HAVVANVQLV

ClinVar aggregate classification (germline): Uncertain significance (1 of 4 stars; one submission).

Conditions:
Inborn genetic diseases. Identifiers: MedGen C0950123, MeSH D030342.

gnomAD v4.1: 1 of 1,614,056 alleles (0.000062%); highest among the groups gnomAD compares: Middle Eastern, 0.017%; no homozygotes.

Submission:

Ambry Genetics
Classification: Uncertain significance for Inborn genetic diseases. Last evaluated: 2026-09-01. Review status: criteria provided, single submitter. Criteria: Ambry Variant Classification Scheme 2023. Collection method: clinical testing. Allele origin: germline.
Comment: The p.S300R variant (also known as c.900C>G), located in coding exon 9 of the CEP57 gene, results from a C to G substitution at nucleotide position 900. The serine at codon 300 is replaced by arginine, an amino acid with dissimilar properties. This amino acid position is conserved. In addition, the in silico prediction for this alteration is inconclusive. Based on the available evidence, the clinical significance of this variant remains unclear.